The following is an entry in ClinVar:

NM_018248.3(NEIL3):c.1328C>T (p.Pro443Leu)

Genes: NEIL3 (nei like DNA glycosylase 3; plus strand), NEIL3-AS1 (NEIL3 antisense RNA 1; minus strand). Cytogenetic location: 4q34.3.
Variant type: single nucleotide variant.
Coding change: c.1328C>T on transcript NM_018248.3 (MANE Select); coding-DNA position 1328, C replaced by T.
Protein change: p.Pro443Leu; replaces proline 443 with leucine.
Molecular consequence: missense variant.
Genome position (GRCh38, 1-based): chr4:177,353,596, C>T. VCF-style: chr4-177353596-C-T. GRCh37 (hg19) VCF-style: chr4-178274750-C-T.
Other names: short protein forms P443L.
Identifiers: ClinVar variation 2688528 (VCV002688528.2), dbSNP rs13112358, ClinGen allele CA3146519.
Genomic context (GRCh38, chr4:177,353,596, plus strand): 5'-GTGTTTGTTTGAATGATATACAGCACCCCTCCAAGAAGACAACAAACGATATAACTCAAC[C>T]ATCCAGCAAAGTAAACATATCACCTACAATCAGTTCAGAATCTAAATTATTTAGTCCAGC-3'
Protein context (NP_060718.3, residues 433-453): SKKTTNDITQ[Pro443Leu]SSKVNISPTI

ClinVar aggregate classification (germline): Benign (1 of 4 stars; one submission).

Allele frequency attached by ClinVar (database versions not stated): 1000 Genomes Project 0.60883; 1000 Genomes Project 30x 0.61212; ExAC 0.68992; TOPMed 0.71045; gnomAD 0.71711; gnomAD exomes 0.73590; ESP Exome Variant Server 0.74074.
gnomAD v4.1: 1,180,838 of 1,610,224 alleles (73%); highest among the groups gnomAD compares: Non-Finnish European, 76%; 438,001 homozygotes.

Submission:

Unidad de Genómica Garrahan, Hospital de Pediatría Garrahan
Classification: Benign. Last evaluated: 2024-01-24. Review status: criteria provided, single submitter. Criteria: ACMG Guidelines, 2015. Collection method: clinical testing. Allele origin: germline. Affected: no. Observed: 79 variant alleles.
Comment: This variant is classified as Benign based on local population frequency. This variant was detected in 90% of patients studied by a panel of primary immunodeficiencies. Number of patients: 79. Only high quality variants are reported.